The following is an entry in ClinVar:

ClinVar aggregate classification (germline): Pathogenic (1 of 4 stars; one submission).

Conditions:
Renal cysts and diabetes syndrome (RCAD). Also called: Familial hypoplastic, glomerulocystic kidney; MATURITY-ONSET DIABETES OF THE YOUNG, TYPE 5. Identifiers: Orphanet 93111, MedGen C0431693, MONDO:0007669, OMIM 137920.

Submission:

Institute of Human Genetics, FAU Erlangen, Friedrich-Alexander-Universität Erlangen-Nürnberg
Classification: Pathogenic for Renal cysts and diabetes syndrome. Last evaluated: 2019-07-06. Review status: criteria provided, single submitter. Criteria: ACMG Guidelines, 2015. Collection method: literature only. Allele origin: germline. Affected: yes.
Comment: This variant and it's classification has been reported by Vasileiou et al. 2019; DOI:10.1101/576918. The variants has previously been reported in PMID:24429398 as "c.823C>T p.Q275*" with clinical significance Pathogenic. It has been re-classified using InterVar and manual curation as Pathogenic based on PVS1 PM2 PP3.

Literature cited by the submitters: PubMed 24429398; DOI 10.1101/576918.

NM_000458.4(HNF1B):c.823C>T (p.Gln275Ter)

Gene: HNF1B (HNF1 homeobox B; minus strand). Cytogenetic location: 17q12.
Variant type: single nucleotide variant.
Coding change: c.823C>T on transcript NM_000458.4 (MANE Select); coding-DNA position 823, C replaced by T.
Protein change: p.Gln275Ter; replaces glutamine 275 with a stop codon.
Molecular consequence: nonsense.
Genome position (GRCh38, 1-based): chr17:37,731,817, G>A on the plus strand (C>T on the coding strand, the complement: HNF1B is on the minus strand). VCF-style: chr17-37731817-G-A. GRCh37 (hg19) VCF-style: chr17-36091808-G-A.
Other names: c.745C>T, p.Gln249Ter (NM_001165923.4, NM_001304286.2); short protein forms Q275*, Q249*.
Identifiers: ClinVar variation 635642 (VCV000635642.1), dbSNP rs2511802320, ClinGen allele CA398747082.
Genomic context (GRCh38, chr17:37,731,817, plus strand): 5'-GGACCTCAGTGACCAAGTTGGAGCCCAGGCCGTGGGCTTTGGAGGGGGACACCCCTCGCT[G>A]CAAACATTCTGCCCTGGGAATGGATGGAGGGGAGATGGTGAGTGAGGGGGGGCGGGGGGA-3'